The following is an entry in ClinVar:

NM_000458.4(HNF1B):c.1066G>T (p.Gly356Ter)

Gene: HNF1B (HNF1 homeobox B; minus strand). Cytogenetic location: 17q12.
Variant type: single nucleotide variant.
Coding change: c.1066G>T on transcript NM_000458.4 (MANE Select); coding-DNA position 1066, G replaced by T.
Protein change: p.Gly356Ter; replaces glycine 356 with a stop codon.
Molecular consequence: nonsense.
Genome position (GRCh38, 1-based): chr17:37,710,643, C>A on the plus strand (G>T on the coding strand, the complement: HNF1B is on the minus strand). VCF-style: chr17-37710643-C-A. GRCh37 (hg19) VCF-style: chr17-36070651-C-A.
Other names: c.988G>T, p.Gly330Ter (NM_001165923.4, NM_001304286.2); c.1066G>T, p.Gly356Ter (NM_001411100.1); short protein forms G330*, G356*.
Identifiers: ClinVar variation 3640999 (VCV003640999.2).

ClinVar aggregate classification (germline): Pathogenic (1 of 4 stars; one submission).

Submission:

Labcorp Genetics (formerly Invitae), Labcorp
Classification: Pathogenic. Last evaluated: 2024-02-15. Review status: criteria provided, single submitter. Criteria: Invitae Variant Classification Sherloc (09022015). Collection method: clinical testing. Allele origin: germline.
Comment: This sequence change creates a premature translational stop signal (p.Gly356*) in the HNF1B gene. It is expected to result in an absent or disrupted protein product. Loss-of-function variants in HNF1B are known to be pathogenic (PMID: 9398836, 12148114, 15068978, 20378641). This variant is not present in population databases (gnomAD no frequency). This variant has not been reported in the literature in individuals affected with HNF1B-related conditions. For these reasons, this variant has been classified as Pathogenic.

Literature cited by the submitters: PubMed 9398836; PubMed 12148114; PubMed 15068978; PubMed 20378641.